The following is an entry in ClinVar:

NM_006035.4(CDC42BPB):c.131C>T (p.Ser44Leu)

Gene: CDC42BPB (CDC42 binding protein kinase beta; minus strand). Cytogenetic location: 14q32.32.
Variant type: single nucleotide variant.
Coding change: c.131C>T on transcript NM_006035.4 (MANE Select); coding-DNA position 131, C replaced by T.
Protein change: p.Ser44Leu; replaces serine 44 with leucine.
Molecular consequence: missense variant.
Genome position (GRCh38, 1-based): chr14:103,057,043, G>A on the plus strand (C>T on the coding strand, the complement: CDC42BPB is on the minus strand). VCF-style: chr14-103057043-G-A. GRCh37 (hg19) VCF-style: chr14-103523380-G-A.
Other names: c.131C>T (NM_006035.3); short protein forms S44L.
Identifiers: ClinVar variation 1342319 (VCV001342319.2), dbSNP rs1384767070, ClinGen allele CA391086777.

ClinVar aggregate classification (germline): Uncertain significance. Review status: criteria provided, multiple submitters, no conflicts (2 of 4 stars). 2 submissions from 2 submitters: Uncertain significance (2). Last evaluated 2026-04-30.

Conditions:
Inborn genetic diseases. Identifiers: MedGen C0950123, MeSH D030342.
CDC42BPB-related Neurodevelopmental disorder.

Allele frequency attached by ClinVar (database versions not stated): gnomAD exomes 0.00003.
gnomAD v4.1: 34 of 1,519,000 alleles (0.0022%); highest among the groups gnomAD compares: Non-Finnish European, 0.0029%; no homozygotes.

Submissions (2):

Ambry Genetics
Classification: Uncertain significance for Inborn genetic diseases. Last evaluated: 2026-04-30. Review status: criteria provided, single submitter. Criteria: Ambry Variant Classification Scheme 2023. Collection method: clinical testing. Allele origin: germline.
Comment: The c.131C>T (p.S44L) alteration is located in exon 1 (coding exon 1) of the CDC42BPB gene. This alteration results from a C to T substitution at nucleotide position 131, causing the serine (S) at amino acid position 44 to be replaced by a leucine (L). Based on data from gnomAD, the T allele has an overall frequency of <0.001% (0/116650) total alleles studied. The highest observed frequency was <0.001% (/) of alleles. Based on insufficient or conflicting evidence, the clinical significance of this alteration remains unclear.

New York Genome Center
Classification: Uncertain significance for CDC42BPB-related Neurodevelopmental disorder. Last evaluated: 2021-03-12. Review status: criteria provided, single submitter. Criteria: NYGC Assertion Criteria 2020. Collection method: clinical testing. Allele origin: inherited. Observed: 1 heterozygote. Study: CSER-NYCKidSeq.